The following is an entry in ClinVar:

NM_001103146.3(GIGYF2):c.2489A>T (p.Glu830Val)

Gene: GIGYF2 (GRB10 interacting GYF protein 2; plus strand). Cytogenetic location: 2q37.1.
Variant type: single nucleotide variant.
Coding change: c.2489A>T on transcript NM_001103146.3 (MANE Select); coding-DNA position 2489, A replaced by T.
Protein change: p.Glu830Val; replaces glutamic acid 830 with valine.
Molecular consequence: missense variant. On other transcripts: non-coding transcript variant (1).
Genome position (GRCh38, 1-based): chr2:232,819,945, A>T. VCF-style: chr2-232819945-A-T. GRCh37 (hg19) VCF-style: chr2-233684655-A-T.
Other names: c.2552A>T, p.Glu851Val (NM_001103147.2); c.2471A>T, p.Glu824Val (NM_001103148.2); c.2489A>T, p.Glu830Val (NM_015575.4); short protein forms E830V, E851V, E824V.
Identifiers: ClinVar variation 931848 (VCV000931848.3), dbSNP rs1327472255, ClinGen allele CA351023830.

ClinVar aggregate classification (germline): Uncertain significance (1 of 4 stars; one submission).

Conditions:
Parkinson disease 11, autosomal dominant, susceptibility to. Also called: Parkinson disease 11. Identifiers: Orphanet 411602, MedGen C4083045, MONDO:0011896, OMIM 607688.

gnomAD v4.1: 4 of 1,601,612 alleles (0.00025%); highest among the groups gnomAD compares: Non-Finnish European, 0.00034%; no homozygotes.

Submission:

Centre for Mendelian Genomics, University Medical Centre Ljubljana
Classification: Uncertain significance for Parkinson disease 11, autosomal dominant, susceptibility to. Last evaluated: 2020-03-29. Review status: criteria provided, single submitter. Criteria: ACMG Guidelines, 2015. Collection method: clinical testing. Allele origin: unknown. Affected: yes.
Comment: This variant was classified as: Uncertain significance. The available evidence on this variant's pathogenicity is insufficient or conflicting. The following ACMG criteria were applied in classifying this variant: PM2,PP3,PP4.